The following is an entry in ClinVar:

NM_018192.4(P3H2):c.256C>A (p.Arg86Ser)

Gene: P3H2 (prolyl 3-hydroxylase 2; minus strand). Cytogenetic location: 3q28.
Variant type: single nucleotide variant.
Coding change: c.256C>A on transcript NM_018192.4 (MANE Select); coding-DNA position 256, C replaced by A.
Protein change: p.Arg86Ser; replaces arginine 86 with serine.
Molecular consequence: missense variant. On other transcripts: intron variant (1).
Genome position (GRCh38, 1-based): chr3:190,120,476, G>T on the plus strand (C>A on the coding strand, the complement: P3H2 is on the minus strand). VCF-style: chr3-190120476-G-T. GRCh37 (hg19) VCF-style: chr3-189838265-G-T.
Other names: c.-64+1727C>A (NM_001134418.2); short protein forms R86S.
Identifiers: ClinVar variation 1008281 (VCV001008281.5), dbSNP rs1181319830, ClinGen allele CA355859855.
Genomic context (GRCh38, chr3:190,120,476, plus strand): 5'-CAGCGCCGGGGCCCTCGCCGGGGGGCGGGGGCGGGAGCGGGTGGCGCGCCGCGCAGTGGC[G>T]GGCACAGCGCGTGCGGATTTCCCGCAGGCGCCGGTGGCTGCGCAGCGCCGCTTCCAAGTC-3'
Protein context (NP_060662.2, residues 76-96): RLREIRTRCA[Arg86Ser]HCAARHPLPP

ClinVar aggregate classification (germline): Uncertain significance (1 of 4 stars; one submission).

Allele frequency attached by ClinVar (database versions not stated): gnomAD exomes 0.00002; TOPMed 0.00002.
gnomAD v4.1: 20 of 1,434,324 alleles (0.0014%); highest among the groups gnomAD compares: African/African-American, 0.0089%; no homozygotes.

Submission:

Labcorp Genetics (formerly Invitae), Labcorp
Classification: Uncertain significance. Last evaluated: 2024-12-02. Review status: criteria provided, single submitter. Criteria: Invitae Variant Classification Sherloc (09022015). Collection method: clinical testing. Allele origin: germline.
Comment: This sequence change replaces arginine, which is basic and polar, with serine, which is neutral and polar, at codon 86 of the P3H2 protein (p.Arg86Ser). The frequency data for this variant in the population databases is considered unreliable, as metrics indicate poor data quality at this position in the gnomAD database. This variant has not been reported in the literature in individuals affected with P3H2-related conditions. ClinVar contains an entry for this variant (Variation ID: 1008281). Invitae Evidence Modeling of protein sequence and biophysical properties (such as structural, functional, and spatial information, amino acid conservation, physicochemical variation, residue mobility, and thermodynamic stability) indicates that this missense variant is not expected to disrupt P3H2 protein function with a negative predictive value of 80%. In summary, the available evidence is currently insufficient to determine the role of this variant in disease. Therefore, it has been classified as a Variant of Uncertain Significance.